The following is an entry in ClinVar:

ClinVar aggregate classification (germline): Uncertain significance (1 of 4 stars; one submission).

Conditions:
Cohen syndrome (COH1). Also called: PEPPER SYNDROME; Cutis verticis gyrata, retinitis pigmentosa, and sensorineural deafness. Identifiers: Orphanet 193, MedGen C0265223, MONDO:0008999, OMIM 216550.

Submission:

Labcorp Genetics (formerly Invitae), Labcorp
Classification: Uncertain significance for Cohen syndrome. Last evaluated: 2022-07-12. Review status: criteria provided, single submitter. Criteria: Invitae Variant Classification Sherloc (09022015). Collection method: clinical testing. Allele origin: germline.
Comment: In summary, the available evidence is currently insufficient to determine the role of this variant in disease. Therefore, it has been classified as a Variant of Uncertain Significance. Experimental studies and prediction algorithms are not available or were not evaluated, and the functional significance of this variant is currently unknown. This variant has not been reported in the literature in individuals affected with VPS13B-related conditions. This variant is a gross deletion of the genomic region encompassing exon(s) 13-17 of the VPS13B gene. This variant would be expected to be in-frame, preserving the integrity of the reading frame.

NC_000008.10:g.(?_100155202)_(100221801_?)del

Gene: VPS13B (vacuolar protein sorting 13 homolog B; plus strand). Cytogenetic location: 8q22.2.
Variant type: Deletion.
Identifiers: ClinVar variation 1011638 (VCV001011638.3).